The following is an entry in ClinVar:

ClinVar aggregate classification (germline): Uncertain significance (1 of 4 stars; one submission).

Conditions:
Hypertrophic cardiomyopathy. Also called: HYPERTROPHIC MYOCARDIOPATHY. Identifiers: Orphanet 217569, MedGen C0007194, MeSH D002312, MONDO:0005045, HP:0001639.

gnomAD v4.1: 1 of 1,614,056 alleles (0.000062%); highest among the groups gnomAD compares: Non-Finnish European, 0.000085%; no homozygotes.

Submission:

Labcorp Genetics (formerly Invitae), Labcorp
Classification: Uncertain significance for Hypertrophic cardiomyopathy. Last evaluated: 2025-06-09. Review status: criteria provided, single submitter. Criteria: Invitae Variant Classification Sherloc (09022015). Collection method: clinical testing. Allele origin: germline.
Comment: This sequence change replaces proline, which is neutral and non-polar, with arginine, which is basic and polar, at codon 697 of the MYBPC3 protein (p.Pro697Arg). This variant is not present in population databases (gnomAD no frequency). This variant has not been reported in the literature in individuals affected with MYBPC3-related conditions. An algorithm developed to predict the effect of missense changes on protein structure and function (PolyPhen-2) suggests that this variant is likely to be tolerated. In summary, the available evidence is currently insufficient to determine the role of this variant in disease. Therefore, it has been classified as a Variant of Uncertain Significance.

NM_000256.3(MYBPC3):c.2090C>G (p.Pro697Arg)

Gene: MYBPC3 (myosin binding protein C3; minus strand). Cytogenetic location: 11p11.2.
Variant type: single nucleotide variant.
Coding change: c.2090C>G on transcript NM_000256.3 (MANE Select); coding-DNA position 2090, C replaced by G.
Protein change: p.Pro697Arg; replaces proline 697 with arginine.
Molecular consequence: missense variant.
Genome position (GRCh38, 1-based): chr11:47,339,382, G>C on the plus strand (C>G on the coding strand, the complement: MYBPC3 is on the minus strand). VCF-style: chr11-47339382-G-C. GRCh37 (hg19) VCF-style: chr11-47360933-G-C.
Other names: short protein forms P697R.
Identifiers: ClinVar variation 4714240 (VCV004714240.1).